The following is an entry in ClinVar:

GRCh38/hg38 2q11.2(chr2:98787057-100785053)x1

Genes: AFF3 (ALF transcription elongation factor 3; minus strand), C2orf15 (chromosome 2 open reading frame 15; plus strand), CHST10 (carbohydrate sulfotransferase 10; minus strand), CRACDL (CRACD like; minus strand), EIF5B (eukaryotic translation initiation factor 5B; plus strand) and 53 more. Cytogenetic location: 2q11.2.
Variant type: copy number loss.
Change: copy number 1 (one copy instead of two) of chr2:98,787,057-100,785,053 (2.00 Mb, GRCh38 coordinates, 1-based), cytogenetic band 2q11.2.
Identifiers: ClinVar variation 60183 (VCV000060183.1).

ClinVar aggregate classification (germline): Pathogenic (1 of 4 stars; one submission).

Submission:

ISCA site 14
Classification: Pathogenic. Last evaluated: 2011-08-12. Review status: criteria provided, single submitter. Criteria: Kaminsky et al. (Genet Med. 2011). Collection method: clinical testing. Allele origin: unknown. Affected: yes. Observed: 1 variant allele.
Comment: Copy number variation identified through the course of routine clinical cytogenomic testing in postnatal populations. Clinical assertions have been curated as described in Kaminsky et al. 2011.